The following is an entry in ClinVar:

ClinVar aggregate classification (germline): Uncertain significance (1 of 4 stars; one submission).

Conditions:
Inborn genetic diseases. Identifiers: MedGen C0950123, MeSH D030342.

Submission:

Ambry Genetics
Classification: Uncertain significance for Inborn genetic diseases. Last evaluated: 2024-04-06. Review status: criteria provided, single submitter. Criteria: Ambry Variant Classification Scheme 2023. Collection method: clinical testing. Allele origin: germline.
Comment: The p.K556N variant (also known as c.1668A>T), located in coding exon 7 of the ATR gene, results from an A to T substitution at nucleotide position 1668. The lysine at codon 556 is replaced by asparagine, an amino acid with similar properties. This amino acid position is conserved. In addition, this alteration is predicted to be tolerated by in silico analysis. Based on the available evidence, the clinical significance of this variant remains unclear.

NM_001184.4(ATR):c.1668A>T (p.Lys556Asn)

Gene: ATR (ATR serine/threonine kinase; minus strand). Cytogenetic location: 3q23.
Variant type: single nucleotide variant.
Coding change: c.1668A>T on transcript NM_001184.4 (MANE Select); coding-DNA position 1668, A replaced by T.
Protein change: p.Lys556Asn; replaces lysine 556 with asparagine.
Molecular consequence: missense variant.
Genome position (GRCh38, 1-based): chr3:142,559,315, T>A on the plus strand (A>T on the coding strand, the complement: ATR is on the minus strand). VCF-style: chr3-142559315-T-A. GRCh37 (hg19) VCF-style: chr3-142278157-T-A.
Other names: c.1476A>T, p.Lys492Asn (NM_001354579.2); short protein forms K492N, K556N.
Identifiers: ClinVar variation 3331481 (VCV003331481.1).